The following is an entry in ClinVar:

ClinVar aggregate classification (germline): Uncertain significance (1 of 4 stars; one submission).

Conditions:
Hereditary cancer-predisposing syndrome. Also called: Neoplastic Syndromes, Hereditary; Tumor predisposition; Hereditary Cancer Syndrome; Hereditary neoplastic syndrome. Identifiers: Orphanet 140162, MedGen C0027672, MeSH D009386, MONDO:0015356.

Submission:

Ambry Genetics
Classification: Uncertain significance for Hereditary cancer-predisposing syndrome. Last evaluated: 2021-09-20. Review status: criteria provided, single submitter. Criteria: Ambry Variant Classification Scheme 2023. Collection method: clinical testing. Allele origin: germline.
Comment: The p.A23S variant (also known as c.67G>T), located in coding exon 1 of the BARD1 gene, results from a G to T substitution at nucleotide position 67. The alanine at codon 23 is replaced by serine, an amino acid with similar properties. This amino acid position is conserved. In addition, this alteration is predicted to be tolerated by in silico analysis. Since supporting evidence is limited at this time, the clinical significance of this alteration remains unclear.

NM_000465.4(BARD1):c.67G>T (p.Ala23Ser)

Gene: BARD1 (BRCA1 associated RING domain 1; minus strand). Cytogenetic location: 2q35.
Variant type: single nucleotide variant.
Coding change: c.67G>T on transcript NM_000465.4 (MANE Select); coding-DNA position 67, G replaced by T.
Protein change: p.Ala23Ser; replaces alanine 23 with serine.
Molecular consequence: missense variant. On other transcripts: non-coding transcript variant (3).
Genome position (GRCh38, 1-based): chr2:214,809,503, C>A on the plus strand (G>T on the coding strand, the complement: BARD1 is on the minus strand). VCF-style: chr2-214809503-C-A. GRCh37 (hg19) VCF-style: chr2-215674227-C-A.
Other names: c.67G>T, p.Ala23Ser (NM_001282543.2, NM_001282545.2, NM_001282548.2 and 1 more transcripts); short protein forms A23S.
Identifiers: ClinVar variation 1755518 (VCV001755518.2), dbSNP rs767698684, ClinGen allele CA350465184.